The following is an entry in ClinVar:

ClinVar aggregate classification (germline): Uncertain significance (1 of 4 stars; one submission).

Submission:

Laboratory for Molecular Medicine, Mass General Brigham Personalized Medicine
Classification: Uncertain significance. Last evaluated: 2014-09-25. Review status: criteria provided, single submitter. Criteria: LMM Criteria. Collection method: clinical testing. Allele origin: germline. Observed: 1 variant allele.
Comment: Variant classified as Uncertain Significance - Favor Pathogenic. Histidine (His) at position 153 is highly conserved in e volution and the change to arginine (Arg) was predicted to be pathogenic using a computational tool clinically validated by our laboratory. This tool's pathogen ic prediction is estimated to be correct 94% of the time (Jordan 2011). Although this data supports that the His153Arg variant may be pathogenic, additional stu dies are needed to fully assess its clinical significance.

NM_001018005.2(TPM1):c.458A>G (p.His153Arg)

Gene: TPM1 (tropomyosin 1; plus strand). Cytogenetic location: 15q22.2.
Variant type: single nucleotide variant.
Coding change: c.458A>G on transcript NM_001018005.2 (MANE Select); coding-DNA position 458, A replaced by G.
Protein change: p.His153Arg; replaces histidine 153 with arginine.
Molecular consequence: missense variant.
Genome position (GRCh38, 1-based): chr15:63,059,646, A>G. VCF-style: chr15-63059646-A-G. GRCh37 (hg19) VCF-style: chr15-63351845-A-G.
Other names: c.458A>G, p.His153Arg (NM_000366.6, NM_001018004.2, NM_001018006.2 and 6 more transcripts); c.350A>G, p.His117Arg (NM_001018008.2, NM_001301289.2, NM_001330344.2 and 5 more transcripts); c.584A>G, p.His195Arg (NM_001365778.1); short protein forms H153R, H117R, H195R.
Identifiers: ClinVar variation 179674 (VCV000179674.5), dbSNP rs727505043, ClinGen allele CA018052.